The following is an entry in ClinVar:

NM_001466.4(FZD2):c.403C>A (p.Arg135Ser)

Gene: FZD2 (frizzled class receptor 2; plus strand). Cytogenetic location: 17q21.31.
Variant type: single nucleotide variant.
Coding change: c.403C>A on transcript NM_001466.4 (MANE Select); coding-DNA position 403, C replaced by A.
Protein change: p.Arg135Ser; replaces arginine 135 with serine.
Molecular consequence: missense variant.
Genome position (GRCh38, 1-based): chr17:44,558,091, C>A. VCF-style: chr17-44558091-C-A. GRCh37 (hg19) VCF-style: chr17-42635459-C-A.
Other names: short protein forms R135S.
Identifiers: ClinVar variation 2722978 (VCV002722978.3), dbSNP rs766237073, ClinGen allele CA8604645.
Genomic context (GRCh38, chr17:44,558,091, plus strand): 5'-GAGCGCGCGCGCCAGGGCTGCGAAGCCCTCATGAACAAGTTCGGTTTTCAGTGGCCCGAG[C>A]GCCTGCGCTGCGAGCACTTCCCGCGCCACGGCGCCGAGCAGATCTGCGTCGGCCAGAACC-3'
Protein context (NP_001457.1, residues 125-145): MNKFGFQWPE[Arg135Ser]LRCEHFPRHG

ClinVar aggregate classification (germline): Uncertain significance (1 of 4 stars; one submission).

Allele frequency attached by ClinVar (database versions not stated): TOPMed 0.00002; gnomAD 0.00007; ExAC 0.00009; gnomAD exomes 0.00017.
gnomAD v4.1: 245 of 1,607,926 alleles (0.015%); highest among the groups gnomAD compares: Non-Finnish European, 0.019%; no homozygotes.

Submission:

Labcorp Genetics (formerly Invitae), Labcorp
Classification: Uncertain significance. Last evaluated: 2024-07-23. Review status: criteria provided, single submitter. Criteria: Invitae Variant Classification Sherloc (09022015). Collection method: clinical testing. Allele origin: germline.
Comment: This sequence change replaces arginine, which is basic and polar, with serine, which is neutral and polar, at codon 135 of the FZD2 protein (p.Arg135Ser). This variant is present in population databases (rs766237073, gnomAD 0.02%). This variant has not been reported in the literature in individuals affected with FZD2-related conditions. Advanced modeling of protein sequence and biophysical properties (such as structural, functional, and spatial information, amino acid conservation, physicochemical variation, residue mobility, and thermodynamic stability) performed at Invitae indicates that this missense variant is not expected to disrupt FZD2 protein function with a negative predictive value of 80%. In summary, the available evidence is currently insufficient to determine the role of this variant in disease. Therefore, it has been classified as a Variant of Uncertain Significance.